The following is an entry in ClinVar:

NM_000175.5(GPI):c.268A>C (p.Ile90Leu)

Gene: GPI (glucose-6-phosphate isomerase; plus strand). Cytogenetic location: 19q13.11.
Variant type: single nucleotide variant.
Coding change: c.268A>C on transcript NM_000175.5 (MANE Select); coding-DNA position 268, A replaced by C.
Protein change: p.Ile90Leu; replaces isoleucine 90 with leucine.
Molecular consequence: missense variant.
Genome position (GRCh38, 1-based): chr19:34,366,837, A>C. VCF-style: chr19-34366837-A-C. GRCh37 (hg19) VCF-style: chr19-34857742-A-C.
Other names: c.385A>C, p.Ile129Leu (NM_001184722.1, NM_001289789.1, NM_001440422.1); c.268A>C, p.Ile90Leu (NM_001289790.3, NM_001329909.1, NM_001329910.1 and 1 more transcripts); short protein forms I129L, I90L.
Identifiers: ClinVar variation 4281204 (VCV004281204.7).
Genomic context (GRCh38, chr19:34,366,837, plus strand): 5'-TCCTAGGCCAAGTCCAGGGGCGTGGAGGCCGCCCGGGAGCGGATGTTCAATGGTGAGAAG[A>C]TCAACTACACCGAGGTGAGCAGGCCCCACATACCCTCTGGGGCCTCCTTCCTTCCCTTTG-3'
Protein context (NP_000166.2, residues 80-100): ARERMFNGEK[Ile90Leu]NYTEGRAVLH

ClinVar aggregate classification (germline): Uncertain significance (1 of 4 stars; one submission).

Submission:

CeGaT Center for Human Genetics Tuebingen
Classification: Uncertain significance. Last evaluated: 2025-11-01. Review status: criteria provided, single submitter. Criteria: CeGaT Center For Human Genetics Tuebingen Variant Classification Criteria Version 2. Collection method: clinical testing. Allele origin: germline. Affected: yes. Observed: 1 variant allele.
Comment: GPI: PM2, PM5:Supporting